The following is an entry in ClinVar:

NM_012073.5(CCT5):c.*824C>G

Gene: CCT5 (chaperonin containing TCP1 subunit 5; plus strand). Cytogenetic location: 5p15.2.
Variant type: single nucleotide variant.
Coding change: c.*824C>G on transcript NM_012073.5 (MANE Select); 824 bases downstream of the stop codon, C replaced by G.
Molecular consequence: 3 prime UTR variant.
Genome position (GRCh38, 1-based): chr5:10,265,607, C>G. VCF-style: chr5-10265607-C-G. GRCh37 (hg19) VCF-style: chr5-10265719-C-G.
Other names: c.*824C>G (NM_001306153.1, NM_001306154.2, NM_001306155.2 and 1 more transcripts).
Identifiers: ClinVar variation 350278 (VCV000350278.6), dbSNP rs2578639, ClinGen allele CA10619771.

ClinVar aggregate classification (germline): Benign. Review status: criteria provided, multiple submitters, no conflicts (2 of 4 stars). 2 submissions from 2 submitters: Benign (2). Last evaluated 2018-01-12.

Conditions:
Hereditary sensory and autonomic neuropathy with spastic paraplegia (HSNSP). Identifiers: Orphanet 139578, MedGen C1850395, MONDO:0009748, OMIM 256840.

Allele frequency attached by ClinVar (database versions not stated): 1000 Genomes Project 30x 0.65147; 1000 Genomes Project 0.66314; TOPMed 0.70431; gnomAD 0.71210 and 0.71645; gnomAD exomes 0.93750.
gnomAD v4.1: 109,100 of 151,976 alleles (72%); highest among the groups gnomAD compares: East Asian, 87%; 42,277 homozygotes.

Submissions (2):

Illumina Laboratory Services, Illumina
Classification: Benign for Hereditary sensory and autonomic neuropathy with spastic paraplegia. Last evaluated: 2018-01-12. Review status: criteria provided, single submitter. Criteria: ICSL Variant Classification Criteria 13 December 2019. Collection method: clinical testing. Allele origin: germline.
Comment: This variant was observed in the ICSL laboratory as part of a predisposition screen in an ostensibly healthy population. It had not been previously curated by ICSL or reported in the Human Gene Mutation Database (HGMD: prior to June 1st, 2018), and was therefore a candidate for classification through an automated scoring system. Utilizing variant allele frequency, disease prevalence and penetrance estimates, and inheritance mode, an automated score was calculated to assess if this variant is too frequent to cause the disease. Based on the score and internal cut-off values, a variant classified as benign is not then subjected to further curation. The score for this variant resulted in a classification of benign for this disease.

Breakthrough Genomics
Classification: Benign. Review status: criteria provided, single submitter. Criteria: ACMG Guidelines, 2015. Collection method: not provided. Allele origin: germline. Inheritance: Autosomal recessive inheritance. Affected: yes.